The following is an entry in ClinVar:

ClinVar aggregate classification (germline): Uncertain significance. Review status: criteria provided, single submitter (1 of 4 stars). 2 submissions from 2 submitters: Uncertain significance (1). 1 of the submissions does not count toward it. Last evaluated 2023-08-04.

Conditions:
GTPBP3-related disorder. Also called: GTPBP3-related condition.

Allele frequency attached by ClinVar (database versions not stated): gnomAD 0.00001; gnomAD exomes 0.00001; TOPMed 0.00002; ExAC 0.00006; ESP Exome Variant Server 0.00023.
gnomAD v4.1: 19 of 1,600,972 alleles (0.0012%); highest among the groups gnomAD compares: African/African-American, 0.0013%; no homozygotes.

Submissions (2):

Labcorp Genetics (formerly Invitae), Labcorp
Classification: Uncertain significance. Last evaluated: 2023-08-04. Review status: criteria provided, single submitter. Criteria: Invitae Variant Classification Sherloc (09022015). Collection method: clinical testing. Allele origin: germline.
Comment: In summary, the available evidence is currently insufficient to determine the role of this variant in disease. Therefore, it has been classified as a Variant of Uncertain Significance. This sequence change affects codon 301 of the GTPBP3 mRNA. It is a 'silent' change, meaning that it does not change the encoded amino acid sequence of the GTPBP3 protein. It affects a nucleotide within the consensus splice site. This variant is present in population databases (rs201491919, gnomAD 0.05%). This variant has not been reported in the literature in individuals affected with GTPBP3-related conditions. ClinVar contains an entry for this variant (Variation ID: 1930048). Algorithms developed to predict the effect of sequence changes on RNA splicing suggest that this variant is not likely to affect RNA splicing.

PreventionGenetics, part of Exact Sciences
Classification: Likely benign for GTPBP3-related condition. Last evaluated: 2022-03-29. Review status: no assertion criteria provided. Collection method: clinical testing. Allele origin: germline. Not counted in ClinVar's aggregate classification.
Comment: This variant is classified as likely benign based on ACMG/AMP sequence variant interpretation guidelines (Richards et al. 2015 PMID: 25741868, with internal and published modifications).

NM_032620.4(GTPBP3):c.807C>T (p.Leu269=)

Gene: GTPBP3 (GTP binding protein 3, mitochondrial; plus strand). Cytogenetic location: 19p13.11.
Variant type: single nucleotide variant.
Coding change: c.807C>T on transcript NM_032620.4 (MANE Select); coding-DNA position 807, C replaced by T.
Protein change: p.Leu269=; no amino-acid change (leucine 269 retained).
Molecular consequence: synonymous variant.
Genome position (GRCh38, 1-based): chr19:17,339,265, C>T. VCF-style: chr19-17339265-C-T. GRCh37 (hg19) VCF-style: chr19-17450074-C-T.
Other names: c.807C>T, p.Leu269= (NM_001128855.3); c.873C>T, p.Leu291= (NM_001195422.1); c.903C>T, p.Leu301= (NM_133644.4); c.903C>T (NM_133644.3).
Identifiers: ClinVar variation 1930048 (VCV001930048.5), dbSNP rs201491919, ClinGen allele CA9293508.
Genomic context (GRCh38, chr19:17,339,265, plus strand): 5'-GGTGCACGTAGTGGTCACTGGACCCCCCAATGCGGGCAAGAGCAGCCTAGTGAACCTGCT[C>T]AGTGAGTAGGCGGCGGGAAGGGGGCGGGGCCTAGTGCCAGGGGCGGGGCCAAGAGCTGGG-3'
Protein context (NP_116009.2, residues 259-279): NAGKSSLVNL[Leu269=]SRKPVSIVSP